The following is an entry in ClinVar:

NM_014462.3(LSM1):c.376C>G (p.Arg126Gly)

Gene: LSM1 (LSM1 homolog, mRNA degradation associated; minus strand). Cytogenetic location: 8p11.23.
Variant type: single nucleotide variant.
Coding change: c.376C>G on transcript NM_014462.3 (MANE Select); coding-DNA position 376, C replaced by G.
Protein change: p.Arg126Gly; replaces arginine 126 with glycine.
Molecular consequence: missense variant. On other transcripts: non-coding transcript variant (2).
Genome position (GRCh38, 1-based): chr8:38,163,696, G>C on the plus strand (C>G on the coding strand, the complement: LSM1 is on the minus strand). VCF-style: chr8-38163696-G-C. GRCh37 (hg19) VCF-style: chr8-38021214-G-C.
Other names: short protein forms R126G.
Identifiers: ClinVar variation 4887612 (VCV004887612.1).

ClinVar aggregate classification (germline): Uncertain significance (1 of 4 stars; one submission).

gnomAD v4.1: 2 of 1,614,158 alleles (0.00012%); highest among the groups gnomAD compares: Non-Finnish European, 0.00017%; no homozygotes.

Submission:

Women's Health and Genetics/Laboratory Corporation of America, LabCorp
Classification: Uncertain significance. Last evaluated: 2026-06-29. Review status: criteria provided, single submitter. Criteria: LabCorp Variant Classification Summary - May 2015. Collection method: clinical testing. Allele origin: germline.
Comment: Variant summary: LSM1 c.376C>G (p.Arg126Gly) results in a non-conservative amino acid change in the encoded protein sequence. Algorithms developed to predict the effect of missense changes on protein structure and function are either unavailable or do not agree on the potential impact of this missense change. The variant allele was found at a frequency of 4e-06 in 251418 control chromosomes. The available data on variant occurrences in the general population are insufficient to allow any conclusion about variant significance. To our knowledge, no occurrence of c.376C>G in individuals affected with LSM1-related conditions and no experimental evidence demonstrating its impact on protein function have been reported. No submitters have cited clinical-significance assessments for this variant to ClinVar. Based on the evidence outlined above, the variant was classified as uncertain significance.